The following is an entry in ClinVar:

ClinVar aggregate classification (germline): Uncertain significance (1 of 4 stars; one submission).

Conditions:
Very long chain acyl-CoA dehydrogenase deficiency (ACADVLD). Also called: Very Long-Chain Acyl-Coenzyme A Dehydrogenase Deficiency; VLCAD Deficiency. Identifiers: Orphanet 26793, MedGen C3887523, MONDO:0008723, OMIM 201475.

Submission:

Labcorp Genetics (formerly Invitae), Labcorp
Classification: Uncertain significance for Very long chain acyl-CoA dehydrogenase deficiency. Last evaluated: 2024-10-18. Review status: criteria provided, single submitter. Criteria: Invitae Variant Classification Sherloc (09022015). Collection method: clinical testing. Allele origin: germline.
Comment: This sequence change replaces glutamine, which is neutral and polar, with histidine, which is basic and polar, at codon 197 of the ACADVL protein (p.Gln197His). This variant is not present in population databases (gnomAD no frequency). This variant has not been reported in the literature in individuals affected with ACADVL-related conditions. ClinVar contains an entry for this variant (Variation ID: 959243). Invitae Evidence Modeling of protein sequence and biophysical properties (such as structural, functional, and spatial information, amino acid conservation, physicochemical variation, residue mobility, and thermodynamic stability) indicates that this missense variant is expected to disrupt ACADVL protein function with a positive predictive value of 80%. In summary, the available evidence is currently insufficient to determine the role of this variant in disease. Therefore, it has been classified as a Variant of Uncertain Significance.

NM_000018.4(ACADVL):c.591G>C (p.Gln197His)

Gene: ACADVL (acyl-CoA dehydrogenase very long chain; plus strand). Cytogenetic location: 17p13.1.
Variant type: single nucleotide variant.
Coding change: c.591G>C on transcript NM_000018.4 (MANE Select); coding-DNA position 591, G replaced by C.
Protein change: p.Gln197His; replaces glutamine 197 with histidine.
Molecular consequence: missense variant.
Genome position (GRCh38, 1-based): chr17:7,221,651, G>C. VCF-style: chr17-7221651-G-C. GRCh37 (hg19) VCF-style: chr17-7124970-G-C.
Other names: c.525G>C, p.Gln175His (NM_001033859.3); c.660G>C, p.Gln220His (NM_001270447.2); c.363G>C, p.Gln121His (NM_001270448.2); short protein forms Q175H, Q220H, Q197H, Q121H.
Identifiers: ClinVar variation 959243 (VCV000959243.8), dbSNP rs2071233301, ClinGen allele CA397723228.